The following is an entry in ClinVar:

NM_000059.4(BRCA2):c.4638dup (p.Asp1547Ter)

Gene: BRCA2 (BRCA2 DNA repair associated; plus strand). Cytogenetic location: 13q13.1.
Variant type: Duplication.
Coding change: c.4638dup on transcript NM_000059.4 (MANE Select); coding-DNA position 4638, one base duplicated (T; older notation c.4638dupT).
Protein change: p.Asp1547Ter; replaces aspartic acid 1547 with a stop codon.
Molecular consequence: nonsense.
Genome position (GRCh38, 1-based): chr13:32,338,993, T duplicated; the last of 5 consecutive T bases (chr13:32,338,989-32,338,993); duplicating any one gives the same sequence. VCF-style (leftmost placement, unchanged base first): chr13-32338988-C-CT. GRCh37 (hg19) VCF-style: chr13-32913125-C-CT.
Other names: c.4638dupT (NM_000059.3); short protein forms D1547*.
Identifiers: ClinVar variation 51686 (VCV000051686.16), dbSNP rs80359462, ClinGen allele CA020568.

ClinVar aggregate classification (germline): Pathogenic. Review status: reviewed by expert panel (3 of 4 stars). 6 submissions from 6 submitters: Pathogenic (1). 5 of the submissions do not count toward it. Last evaluated 2017-12-15.

Conditions:
Hereditary cancer-predisposing syndrome. Also called: Hereditary Cancer Syndrome; Hereditary neoplastic syndrome; Neoplastic Syndromes, Hereditary; Tumor predisposition. Identifiers: Orphanet 140162, MedGen C0027672, MeSH D009386, MONDO:0015356.
Hereditary breast ovarian cancer syndrome. Also called: Hereditary breast and ovarian cancer syndrome (HBOC); Hereditary breast and ovarian cancer syndrome; Hereditary breast and/or ovarian cancer syndrome; Breast and ovarian cancer; BRCA1- and BRCA2-Associated Hereditary Breast and Ovarian Cancer; Hereditary breast and ovarian cancer. Identifiers: Orphanet 145, MedGen C0677776, MeSH D061325, MONDO:0003582. Disease mechanism: loss of function.
Breast-ovarian cancer, familial, susceptibility to, 2 (BROVCA2). Also called: BRCA2 Hereditary Breast and Ovarian Cancer. Identifiers: Orphanet 145, MedGen C2675520, MONDO:0012933, OMIM 612555. Disease mechanism: loss of function.

Submissions (6):

Evidence-based Network for the Interpretation of Germline Mutant Alleles (ENIGMA)
Classification: Pathogenic for Breast-ovarian cancer, familial, susceptibility to, 2. Last evaluated: 2017-12-15. Review status: reviewed by expert panel. Criteria: ENIGMA BRCA1/2 Classification Criteria (2017-06-29). Collection method: curation. Allele origin: germline. Study: ENIGMA.
Comment: Variant allele predicted to encode a truncated non-functional protein.

Ambry Genetics
Classification: Pathogenic for Hereditary cancer-predisposing syndrome. Last evaluated: 2026-02-03. Review status: criteria provided, single submitter. Criteria: Ambry Variant Classification Scheme 2023. Collection method: clinical testing. Allele origin: germline. Not counted in ClinVar's aggregate classification.
Comment: The c.4638dupT pathogenic mutation, located in coding exon 10 of the BRCA2 gene, results from a duplication of T at nucleotide position 4638, causing a translational frameshift with a predicted alternate stop codon (p.D1547*). This variant is considered to be rare based on population cohorts in the Genome Aggregation Database (gnomAD). This alteration is expected to result in loss of function by premature protein truncation or nonsense-mediated mRNA decay. As such, this alteration is interpreted as a disease-causing mutation.

Color Diagnostics, LLC DBA Color Health
Classification: Pathogenic for Hereditary cancer-predisposing syndrome. Last evaluated: 2020-01-06. Review status: criteria provided, single submitter. Criteria: ACMG Guidelines, 2015. Collection method: clinical testing. Allele origin: germline. Not counted in ClinVar's aggregate classification.
Comment: This variant inserts 1 nucleotide in exon 11 of the BRCA2 gene, creating a frameshift and premature translation stop signal. This variant is expected to result in an absent or non-functional protein product. Splice site prediction tools suggest that this variant may not impact RNA splicing. To our knowledge, functional studies have not been performed for this variant. This variant has been reported in individuals affected with ovarian cancer in the literature (PMID 19805903). This variant has not been identified in the general population by the Genome Aggregation Database (gnomAD). Loss of BRCA2 function is a known mechanism of disease. Based on the available evidence, this variant is classified as Pathogenic.

Labcorp Genetics (formerly Invitae), Labcorp
Classification: Pathogenic for Hereditary breast ovarian cancer syndrome. Last evaluated: 2018-07-12. Review status: criteria provided, single submitter. Criteria: Invitae Variant Classification Sherloc (09022015). Collection method: clinical testing. Allele origin: germline. Not counted in ClinVar's aggregate classification.
Comment: This sequence change creates a premature translational stop signal (p.Asp1547*) in the BRCA2 gene. It is expected to result in an absent or disrupted protein product. This variant is not present in population databases (ExAC no frequency). This variant has been observed in individuals affected with breast or ovarian cancers (PMID: 19805903, 26187060). This variant is also known as 4866insT and c.4638_4639insT in the literature. ClinVar contains an entry for this variant (Variation ID: 51686). Loss-of-function variants in BRCA2 are known to be pathogenic (PMID: 20104584). For these reasons, this variant has been classified as Pathogenic.

Bioinformatics dept., Datar Cancer Genetics Limited, India
Classification: Pathogenic for Breast-ovarian cancer, familial, susceptibility to, 2. Last evaluated: 2017-07-20. Review status: criteria provided, single submitter. Criteria: ACMG Guidelines, 2015. Collection method: clinical testing. Allele origin: germline. Inheritance: Autosomal dominant inheritance. Affected: yes. Observed: 1 variant allele, 1 heterozygote. Not counted in ClinVar's aggregate classification.

Women's Health and Genetics/Laboratory Corporation of America, LabCorp
Classification: Pathogenic for Hereditary breast ovarian cancer syndrome. Last evaluated: 2016-08-22. Review status: criteria provided, single submitter. Criteria: LabCorp Variant Classification Summary - May 2015. Collection method: clinical testing. Allele origin: germline. Not counted in ClinVar's aggregate classification.
Comment: Variant summary: The BRCA2 c.4638dupT (p.Asp1547X) variant results in a premature termination codon, predicted to cause a truncated or absent BRCA2 protein due to nonsense mediated decay, which are commonly known mechanisms for disease. A deletion of the same nucleotide has been classified as pathogenic by our laboratory, and truncations downstream of this position have been classified as pathogenic by our laboratory (e.g. c.4647_4650delAGAG, p.Phe1546fsX22; c.4707C>A, p.Tyr1569X; c.4712_4713delAG, p.Glu1571fsX3). One in silico tool predicts a damaging outcome for this variant. This variant is absent in 120516 control chromosomes. The variant was detected in an affected individual in the literature (Vaidyanathan_2009) and multiple clinical diagnostic laboratories/reputable databases classified this variant as pathogenic. Taken together, this variant is classified pathogenic.

Literature cited by the submitters: PubMed 19805903 (cited by Labcorp Genetics (formerly Invitae), Labcorp and Bioinformatics dept., Datar Cancer Genetics Limited, India); PubMed 26187060 (cited by Labcorp Genetics (formerly Invitae), Labcorp and Women's Health and Genetics/Laboratory Corporation of America, LabCorp); PubMed 20104584 (cited by Labcorp Genetics (formerly Invitae), Labcorp).